The following is an entry in ClinVar:

NM_013296.5(GPSM2):c.1440+4C>T

Gene: GPSM2 (G protein signaling modulator 2; plus strand). Cytogenetic location: 1p13.3.
Variant type: single nucleotide variant.
Coding change: c.1440+4C>T on transcript NM_013296.5 (MANE Select); 4 bases into the intron after coding-DNA position 1440, C replaced by T.
Molecular consequence: intron variant.
Genome position (GRCh38, 1-based): chr1:108,918,793, C>T. VCF-style: chr1-108918793-C-T. GRCh37 (hg19) VCF-style: chr1-109461415-C-T.
Other names: c.1440+4C>T (NM_013296.4, NM_001321038.2, NM_001321039.3).
Identifiers: ClinVar variation 1354364 (VCV001354364.7), dbSNP rs557163760, ClinGen allele CA983054.
Genomic context (GRCh38, chr1:108,918,793, plus strand): 5'-AAAGTTCTCCAAGATGCCAGTAATTCTATTGACCACCGAATTCCAAATTCTCAGAGGGTA[C>T]GTTTAAACTAAGTTTTTGAGTATTGTGTTTTGAGTACCGACATTTGGGTTTTCTTGTATT-3'

ClinVar aggregate classification (germline): Uncertain significance. Review status: criteria provided, single submitter (1 of 4 stars). 2 submissions from 2 submitters: Uncertain significance (1). 1 of the submissions does not count toward it. Last evaluated 2025-01-20.

Conditions:
GPSM2-related disorder. Also called: GPSM2-related disorders; GPSM2-related condition.

Allele frequency attached by ClinVar (database versions not stated): gnomAD exomes 0.00002 and 0.00004; ExAC 0.00004; gnomAD 0.00007; 1000 Genomes Project 30x 0.00016; 1000 Genomes Project 0.00020.
gnomAD v4.1: 35 of 1,602,904 alleles (0.0022%); highest among the groups gnomAD compares: East Asian, 0.022%; no homozygotes.

Submissions (2):

Labcorp Genetics (formerly Invitae), Labcorp
Classification: Uncertain significance. Last evaluated: 2025-01-20. Review status: criteria provided, single submitter. Criteria: Invitae Variant Classification Sherloc (09022015). Collection method: clinical testing. Allele origin: germline.
Comment: This sequence change falls in intron 12 of the GPSM2 gene. It does not directly change the encoded amino acid sequence of the GPSM2 protein. It affects a nucleotide within the consensus splice site. This variant is present in population databases (rs557163760, gnomAD 0.04%). This variant has not been reported in the literature in individuals affected with GPSM2-related conditions. ClinVar contains an entry for this variant (Variation ID: 1354364). Variants that disrupt the consensus splice site are a relatively common cause of aberrant splicing (PMID: 17576681, 9536098). Algorithms developed to predict the effect of sequence changes on RNA splicing suggest that this variant is not likely to affect RNA splicing. In summary, the available evidence is currently insufficient to determine the role of this variant in disease. Therefore, it has been classified as a Variant of Uncertain Significance.

PreventionGenetics, part of Exact Sciences
Classification: Likely benign for GPSM2-related condition. Last evaluated: 2021-12-22. Review status: no assertion criteria provided. Collection method: clinical testing. Allele origin: germline. Not counted in ClinVar's aggregate classification.
Comment: This variant is classified as likely benign based on ACMG/AMP sequence variant interpretation guidelines (Richards et al. 2015 PMID: 25741868, with internal and published modifications).

Literature cited by the submitters: PubMed 17576681 (cited by Labcorp Genetics (formerly Invitae), Labcorp); PubMed 9536098 (cited by Labcorp Genetics (formerly Invitae), Labcorp).